The following is an entry in ClinVar:

ClinVar aggregate classification (germline): Uncertain significance. Review status: criteria provided, multiple submitters, no conflicts (2 of 4 stars). 2 submissions from 2 submitters: Uncertain significance (2). Last evaluated 2025-03-06.

Conditions:
Inborn genetic diseases. Identifiers: MedGen C0950123, MeSH D030342.
Autosomal dominant Alport syndrome (ATS3A). Also called: Alport syndrome dominant type; Renal failure and sensorineural hearing loss; ALPORT SYNDROME 3A, AUTOSOMAL DOMINANT. Identifiers: Orphanet 63, Orphanet 88918, MedGen C5882663, MONDO:0007086, OMIM 104200.

gnomAD v4.1: 1 of 1,614,128 alleles (0.000062%); highest among the groups gnomAD compares: African/African-American, 0.0013%; no homozygotes.

Submissions (2):

Ambry Genetics
Classification: Uncertain significance for Inborn genetic diseases. Last evaluated: 2025-03-06. Review status: criteria provided, single submitter. Criteria: Ambry Variant Classification Scheme 2023. Collection method: clinical testing. Allele origin: germline.

MVZ Medizinische Genetik Mainz
Classification: Uncertain significance for Autosomal dominant Alport syndrome. Last evaluated: 2024-11-26. Review status: criteria provided, single submitter. Criteria: UK Practice Guidelines For Variant Classification V4 01 2020. Collection method: clinical testing. Allele origin: germline. Inheritance: Autosomal dominant inheritance. Affected: yes. Observed: 1 variant allele.
Comment: ACMG Criteria: PP3_MOD,PM2_SUP,PP4

NM_000091.5(COL4A3):c.4862C>A (p.Thr1621Lys)

Genes: COL4A3 (collagen type IV alpha 3 chain; plus strand), MFF-DT (MFF divergent transcript; minus strand). Cytogenetic location: 2q36.3.
Variant type: single nucleotide variant.
Coding change: c.4862C>A on transcript NM_000091.5 (MANE Select); coding-DNA position 4862, C replaced by A.
Protein change: p.Thr1621Lys; replaces threonine 1621 with lysine.
Molecular consequence: missense variant.
Genome position (GRCh38, 1-based): chr2:227,310,882, C>A. VCF-style: chr2-227310882-C-A. GRCh37 (hg19) VCF-style: chr2-228175598-C-A.
Other names: short protein forms T1621K.
Identifiers: ClinVar variation 3392545 (VCV003392545.2).